The following is an entry in ClinVar:

ClinVar aggregate classification (germline): Uncertain significance (1 of 4 stars; one submission).

Submission:

GeneDx
Classification: Uncertain significance. Last evaluated: 2019-05-31. Review status: criteria provided, single submitter. Criteria: GeneDx Variant Classification Process June 2021. Collection method: clinical testing. Allele origin: germline. Affected: yes.
Comment: Not observed in large population cohorts (Lek et al., 2016); In silico analysis, which includes protein predictors and evolutionary conservation, supports that this variant does not alter protein structure/function; Has not been previously published as pathogenic or benign to our knowledge

NM_001008537.3(NEXMIF):c.2723T>A (p.Ile908Lys)

Gene: NEXMIF (neurite extension and migration factor; minus strand). Cytogenetic location: Xq13.3.
Variant type: single nucleotide variant.
Coding change: c.2723T>A on transcript NM_001008537.3 (MANE Select); coding-DNA position 2723, T replaced by A.
Protein change: p.Ile908Lys; replaces isoleucine 908 with lysine.
Molecular consequence: missense variant.
Genome position (GRCh38, 1-based): chrX:74,741,834, A>T on the plus strand (T>A on the coding strand, the complement: NEXMIF is on the minus strand). VCF-style: chrX-74741834-A-T. GRCh37 (hg19) VCF-style: chrX-73961669-A-T.
Other names: short protein forms I908K.
Identifiers: ClinVar variation 1306178 (VCV001306178.2), dbSNP rs773043102, ClinGen allele CA413667576.